The following is an entry in ClinVar:

ClinVar aggregate classification (germline): Uncertain significance (1 of 4 stars; one submission).

Allele frequency attached by ClinVar (database versions not stated): gnomAD 0.00003 and 0.00002; gnomAD exomes 0.00003 and 0.00001; 1000 Genomes Project 30x 0.00016; 1000 Genomes Project 0.00020; ExAC 0.00002; TOPMed 0.00002.
gnomAD v4.1: 20 of 1,613,534 alleles (0.0012%); highest among the groups gnomAD compares: South Asian, 0.0088%; no homozygotes.

Submission:

Labcorp Genetics (formerly Invitae), Labcorp
Classification: Uncertain significance. Last evaluated: 2025-01-13. Review status: criteria provided, single submitter. Criteria: Invitae Variant Classification Sherloc (09022015). Collection method: clinical testing. Allele origin: germline.
Comment: This sequence change replaces threonine, which is neutral and polar, with methionine, which is neutral and non-polar, at codon 327 of the DENND5A protein (p.Thr327Met). This variant is present in population databases (rs552367933, gnomAD 0.01%). This variant has not been reported in the literature in individuals affected with DENND5A-related conditions. ClinVar contains an entry for this variant (Variation ID: 1473960). Invitae Evidence Modeling of protein sequence and biophysical properties (such as structural, functional, and spatial information, amino acid conservation, physicochemical variation, residue mobility, and thermodynamic stability) indicates that this missense variant is not expected to disrupt DENND5A protein function with a negative predictive value of 80%. Algorithms developed to predict the effect of sequence changes on RNA splicing suggest that this variant may create or strengthen a splice site. In summary, the available evidence is currently insufficient to determine the role of this variant in disease. Therefore, it has been classified as a Variant of Uncertain Significance.

NM_015213.4(DENND5A):c.980C>T (p.Thr327Met)

Gene: DENND5A (DENN domain containing 5A; minus strand). Cytogenetic location: 11p15.4.
Variant type: single nucleotide variant.
Coding change: c.980C>T on transcript NM_015213.4 (MANE Select); coding-DNA position 980, C replaced by T.
Protein change: p.Thr327Met; replaces threonine 327 with methionine.
Molecular consequence: missense variant. On other transcripts: non-coding transcript variant (1).
Genome position (GRCh38, 1-based): chr11:9,193,651, G>A on the plus strand (C>T on the coding strand, the complement: DENND5A is on the minus strand). VCF-style: chr11-9193651-G-A. GRCh37 (hg19) VCF-style: chr11-9215198-G-A.
Other names: c.980C>T, p.Thr327Met (NM_001243254.2); c.908C>T, p.Thr303Met (NM_001348749.2); c.692C>T, p.Thr231Met (NM_001348750.2); short protein forms T327M, T231M, T303M.
Identifiers: ClinVar variation 1473960 (VCV001473960.4), dbSNP rs552367933, ClinGen allele CA5877699.